The following is an entry in ClinVar:

ClinVar aggregate classification (germline): Uncertain significance. Review status: criteria provided, multiple submitters, no conflicts (2 of 4 stars). 2 submissions from 2 submitters: Uncertain significance (2). Last evaluated 2022-09-23.

Conditions:
Ataxia-telangiectasia syndrome (AT). Also called: Ataxia-telangiectasia; LOUIS-BAR SYNDROME; Ataxia-telangiectasia, complementation group D; AT, COMPLEMENTATION GROUP C; ATAXIA-TELANGIECTASIA, COMPLEMENTATION GROUP A; ATAXIA-TELANGIECTASIA, FRESNO VARIANT. Identifiers: Orphanet 100, MedGen C0004135, MONDO:0008840, OMIM 208900.
Hereditary cancer-predisposing syndrome. Also called: Tumor predisposition; Neoplastic Syndromes, Hereditary; Hereditary Cancer Syndrome; Hereditary neoplastic syndrome. Identifiers: Orphanet 140162, MedGen C0027672, MeSH D009386, MONDO:0015356.

Submissions (2):

Ambry Genetics
Classification: Uncertain significance for Hereditary cancer-predisposing syndrome. Last evaluated: 2022-09-23. Review status: criteria provided, single submitter. Criteria: Ambry Variant Classification Scheme 2023. Collection method: clinical testing. Allele origin: germline.
Comment: The p.G2897C variant (also known as c.8689G>T), located in coding exon 59 of the ATM gene, results from a G to T substitution at nucleotide position 8689. The glycine at codon 2897 is replaced by cysteine, an amino acid with highly dissimilar properties. This amino acid position is conserved. In addition, this alteration is predicted to be deleterious by in silico analysis. Since supporting evidence is limited at this time, the clinical significance of this alteration remains unclear.

Labcorp Genetics (formerly Invitae), Labcorp
Classification: Uncertain significance for Ataxia-telangiectasia syndrome. Last evaluated: 2022-05-04. Review status: criteria provided, single submitter. Criteria: Invitae Variant Classification Sherloc (09022015). Collection method: clinical testing. Allele origin: germline.
Comment: In summary, the available evidence is currently insufficient to determine the role of this variant in disease. Therefore, it has been classified as a Variant of Uncertain Significance. Advanced modeling of protein sequence and biophysical properties (such as structural, functional, and spatial information, amino acid conservation, physicochemical variation, residue mobility, and thermodynamic stability) performed at Invitae indicates that this missense variant is expected to disrupt ATM protein function. This variant has not been reported in the literature in individuals affected with ATM-related conditions. This variant is not present in population databases (gnomAD no frequency). This sequence change replaces glycine, which is neutral and non-polar, with cysteine, which is neutral and slightly polar, at codon 2897 of the ATM protein (p.Gly2897Cys).

NM_000051.4(ATM):c.8689G>T (p.Gly2897Cys)

Genes: ATM (ATM serine/threonine kinase; plus strand), C11orf65 (chromosome 11 open reading frame 65; minus strand). Cytogenetic location: 11q22.3.
Variant type: single nucleotide variant.
Coding change: c.8689G>T on transcript NM_000051.4 (MANE Select); coding-DNA position 8689, G replaced by T.
Protein change: p.Gly2897Cys; replaces glycine 2897 with cysteine.
Molecular consequence: missense variant. On other transcripts: intron variant (2).
Genome position (GRCh38, 1-based): chr11:108,353,783, G>T. VCF-style: chr11-108353783-G-T. GRCh37 (hg19) VCF-style: chr11-108224510-G-T.
Other names: c.8689G>T, p.Gly2897Cys (NM_001351834.2); c.640+32137C>A (NM_001330368.2); c.695-18491C>A (NM_001351110.2); short protein forms G2897C.
Identifiers: ClinVar variation 1373305 (VCV001373305.9), dbSNP rs2089494758, ClinGen allele CA382523624.